The following is an entry in ClinVar:

NM_058216.3(RAD51C):c.444del (p.Phe148fs)

Gene: RAD51C (RAD51 paralog C; plus strand). Cytogenetic location: 17q22.
Variant type: Deletion.
Coding change: c.444del on transcript NM_058216.3 (MANE Select); coding-DNA position 444, one base deleted (T; older notation c.444delT).
Protein change: p.Phe148fs; shifts the reading frame from phenylalanine 148.
Molecular consequence: frameshift variant.
Genome position (GRCh38, 1-based): chr17:58,696,732, T deleted; the last of 4 consecutive T bases (chr17:58,696,729-58,696,732); deleting any one gives the same sequence. VCF-style (leftmost placement, unchanged base first): chr17-58696728-GT-G. GRCh37 (hg19) VCF-style: chr17-56774089-GT-G.
Other names: c.444del (LRG_314t1); short protein forms F148fs.
Identifiers: ClinVar variation 545841 (VCV000545841.10), dbSNP rs1555594617, ClinGen allele CA658824996.

ClinVar aggregate classification (germline): Pathogenic/Likely pathogenic. Review status: criteria provided, multiple submitters, no conflicts (2 of 4 stars). 3 submissions from 3 submitters: Pathogenic (2); Likely pathogenic (1). Last evaluated 2022-08-21.

Conditions:
Fanconi anemia complementation group O. Also called: RAD51C-Related Fanconi Anemia. Identifiers: Orphanet 84, MedGen C3150653, MONDO:0013248, OMIM 613390.
Hereditary cancer-predisposing syndrome. Also called: Neoplastic Syndromes, Hereditary; Hereditary neoplastic syndrome; Tumor predisposition; Hereditary Cancer Syndrome. Identifiers: Orphanet 140162, MedGen C0027672, MeSH D009386, MONDO:0015356.

Submissions (3):

Labcorp Genetics (formerly Invitae), Labcorp
Classification: Pathogenic for Fanconi anemia complementation group O. Last evaluated: 2022-08-21. Review status: criteria provided, single submitter. Criteria: Invitae Variant Classification Sherloc (09022015). Collection method: clinical testing. Allele origin: germline.
Comment: This sequence change creates a premature translational stop signal (p.Phe148Leufs*23) in the RAD51C gene. It is expected to result in an absent or disrupted protein product. Loss-of-function variants in RAD51C are known to be pathogenic (PMID: 20400964, 21990120, 24800917). This variant is not present in population databases (gnomAD no frequency). This variant has not been reported in the literature in individuals affected with RAD51C-related conditions. ClinVar contains an entry for this variant (Variation ID: 545841). For these reasons, this variant has been classified as Pathogenic.

Color Diagnostics, LLC DBA Color Health
Classification: Pathogenic for Hereditary cancer-predisposing syndrome. Last evaluated: 2021-06-08. Review status: criteria provided, single submitter. Criteria: ACMG Guidelines, 2015. Collection method: clinical testing. Allele origin: germline.
Comment: This variant deletes 1 nucleotide in exon 3 of the RAD51C gene, creating a frameshift and premature translation stop signal. This variant is expected to result in an absent or non-functional protein product. This variant has been reported in individuals undergoing genetic testing for hereditary cancer in the literature (DOI: 10.1101/2021.04.15.21255554). This variant has not been identified in the general population by the Genome Aggregation Database (gnomAD). Loss of RAD51C function is a known mechanism of disease. Based on the available evidence, this variant is classified as Pathogenic.

GeneDx
Classification: Likely pathogenic. Last evaluated: 2017-11-14. Review status: criteria provided, single submitter. Criteria: GeneDx Variant Classification (06012015). Collection method: clinical testing. Allele origin: germline. Affected: yes.
Comment: This deletion of one nucleotide in RAD51C is denoted c.444delT at the cDNA level and p.Phe148LeufsX23 (F148LfsX23) at the protein level. The normal sequence, with the base that is deleted in brackets, is GTTT[delT]GGAG. The deletion causes a frameshift which changes a Phenylalanine to a Leucine at codon 148, and creates a premature stop codon at position 23 of the new reading frame. Although this variant has not, to our knowledge, been reported in the literature, it is predicted to cause loss of normal protein function through either protein truncation or nonsense-mediated mRNA decay. Based on the currently available information, we consider this deletion to be a likely pathogenic variant.

Literature cited by the submitters: PubMed 20400964 (cited by Labcorp Genetics (formerly Invitae), Labcorp); PubMed 21990120 (cited by Labcorp Genetics (formerly Invitae), Labcorp); PubMed 24800917 (cited by Labcorp Genetics (formerly Invitae), Labcorp).